The following is an entry in ClinVar:

ClinVar aggregate classification (germline): Pathogenic. Review status: criteria provided, multiple submitters, no conflicts (2 of 4 stars). 2 submissions from 2 submitters: Pathogenic (2). Last evaluated 2026-07-20.

Conditions:
Mitochondrial DNA depletion syndrome 12B (cardiomyopathic type), autosomal recessive. Also called: Mitochondrial DNA depletion syndrome 12B (cardiomyopathic type) AR. Identifiers: Orphanet 1369, MedGen C3809443, MONDO:0014175, OMIM 615418.

Submissions (2):

Victorian Clinical Genetics Services, Murdoch Childrens Research Institute
Classification: Pathogenic for Mitochondrial DNA depletion syndrome 12B (cardiomyopathic type), autosomal recessive. Last evaluated: 2026-07-20. Review status: criteria provided, single submitter. Criteria: ACMG Guidelines, 2015. Collection method: clinical testing. Allele origin: germline. Affected: yes.
Comment: This variant is classified as Pathogenic. Evidence in support of pathogenic classification: This variant is predicted to cause nonsense-mediated decay (NMD) and loss of protein (premature termination codon is located at least 54 nucleotides upstream of the final exon-exon junction); This variant is absent from gnomAD v4; This variant has limited previous evidence of pathogenicity in an unrelated individual(s). This variant has been classified as pathogenic by a clinical laboratory in ClinVar; Other variants comparable to the one identified in this case have strong previous evidence for pathogenicity (DECIPHER). In addition, p.(Gln39Leufs*14) has been reported in the literature in an individual with mild mitochondrial myopathy, in whom a second variant in SLC25A4 was identified (PMID: 25732997). Additional information: This variant is heterozygous; This gene is associated with both recessive and dominant disease (OMIM); No published evidence of segregation with disease has been identified for this variant; No published functional evidence has been identified for this variant; Loss of function is a known mechanism of disease in this gene. Variants associated with dominant mitochondrial DNA depletion syndrome 12A (cardiomyopathic type) (MIM#617184) have residual transport activity of around 3-24% and affect critical functional residues. Variants associated with recessive mitochondrial DNA depletion syndrome 12B (cardiomyopathic type) (MIM#615418) are complete null variants with <1% residual activity and likely trigger a compensatory mechanism. Variants associated with dominant progressive external ophthalmoplegia with mitochondrial DNA deletions 2 (MIM#609283) have around 24-56% residual activity and affect non-critical residues (PMID: 27693233).

Labcorp Genetics (formerly Invitae), Labcorp
Classification: Pathogenic. Last evaluated: 2022-02-18. Review status: criteria provided, single submitter. Criteria: Invitae Variant Classification Sherloc (09022015). Collection method: clinical testing. Allele origin: germline.
Comment: This sequence change creates a premature translational stop signal (p.Gln37Alafs*12) in the SLC25A4 gene. It is expected to result in an absent or disrupted protein product. Loss-of-function variants in SLC25A4 are known to be pathogenic (PMID: 23401503, 25732997). This variant is not present in population databases (gnomAD no frequency). This variant has not been reported in the literature in individuals affected with SLC25A4-related conditions. For these reasons, this variant has been classified as Pathogenic.

Literature cited by the submitters: PubMed 27693233 (cited by Victorian Clinical Genetics Services, Murdoch Childrens Research Institute); PubMed 25732997 (cited by Victorian Clinical Genetics Services, Murdoch Childrens Research Institute and Labcorp Genetics (formerly Invitae), Labcorp); PubMed 23401503 (cited by Labcorp Genetics (formerly Invitae), Labcorp).

NM_001151.4(SLC25A4):c.107dup (p.Gln37fs)

Gene: SLC25A4 (solute carrier family 25 member 4; plus strand). Cytogenetic location: 4q35.1.
Variant type: Duplication.
Coding change: c.107dup on transcript NM_001151.4 (MANE Select); coding-DNA position 107, one base duplicated (T; older notation c.107dupT).
Protein change: p.Gln37fs; shifts the reading frame from glutamine 37.
Molecular consequence: frameshift variant.
Genome position (GRCh38, 1-based): chr4:185,143,479, T duplicated. VCF-style (leftmost placement, unchanged base first): chr4-185143478-C-CT. GRCh37 (hg19) VCF-style: chr4-186064632-C-CT.
Other names: short protein forms Q37fs.
Identifiers: ClinVar variation 2098505 (VCV002098505.5), dbSNP rs2477166095, ClinGen allele CA2580071690.
Genomic context (GRCh38, chr4:185,143,478, plus strand): 5'-GGCGTCGCCGCTGCCGTCTCCAAGACCGCGGTCGCCCCCATCGAGAGGGTCAAACTGCTG[C>CT]TGCAGGTGAGGACCGCGCGGTGCAAGAGGCGGGCGCGGGCGCGGCGGGCCGGGCGGGGCG-3'